The following is an entry in ClinVar:

ClinVar aggregate classification (germline): Pathogenic. Review status: criteria provided, single submitter (1 of 4 stars). 2 submissions from 2 submitters: Pathogenic (1). 1 of the submissions does not count toward it. Last evaluated 2025-09-04.

Conditions:
ODAD2-related disorder. Also called: ODAD2-related condition.
Primary ciliary dyskinesia 23 (CILD23). Also called: CILIARY DYSKINESIA, PRIMARY, 23, WITH OR WITHOUT SITUS INVERSUS. Identifiers: Orphanet 244, MedGen C3809548, MONDO:0014193, OMIM 615451.

Allele frequency attached by ClinVar (database versions not stated): gnomAD exomes 0.00002; ExAC 0.00004; gnomAD 0.00006; ESP Exome Variant Server 0.00008; TOPMed 0.00009; 1000 Genomes Project 0.00040; 1000 Genomes Project 30x 0.00047.
gnomAD v4.1: 20 of 1,607,856 alleles (0.0012%); highest among the groups gnomAD compares: African/African-American, 0.012%; no homozygotes.

Submissions (2):

Labcorp Genetics (formerly Invitae), Labcorp
Classification: Pathogenic for Primary ciliary dyskinesia 23. Last evaluated: 2025-09-04. Review status: criteria provided, single submitter. Criteria: Invitae Variant Classification Sherloc (09022015). Collection method: clinical testing. Allele origin: germline.
Comment: This sequence change creates a premature translational stop signal (p.Gln242*) in the ARMC4 gene. It is expected to result in an absent or disrupted protein product. Loss-of-function variants in ARMC4 are known to be pathogenic (PMID: 23849778). This variant is present in population databases (rs369669370, gnomAD 0.01%). This variant has not been reported in the literature in individuals affected with ARMC4-related conditions. ClinVar contains an entry for this variant (Variation ID: 659262). For these reasons, this variant has been classified as Pathogenic.

PreventionGenetics, part of Exact Sciences
Classification: Likely pathogenic for ODAD2-related condition. Last evaluated: 2024-01-12. Review status: no assertion criteria provided. Collection method: clinical testing. Allele origin: germline. Not counted in ClinVar's aggregate classification.
Comment: The ODAD2 c.724C>T variant is predicted to result in premature protein termination (p.Gln242*). To our knowledge, this variant has not been reported in the literature. This variant is reported in 0.019% of alleles in individuals of African descent in gnomAD. Nonsense variants in ODAD2 are expected to be pathogenic. This variant is interpreted as likely pathogenic.

Literature cited by the submitters: PubMed 23849778 (cited by Labcorp Genetics (formerly Invitae), Labcorp).

NM_018076.5(ODAD2):c.724C>T (p.Gln242Ter)

Gene: ODAD2 (outer dynein arm docking complex subunit 2; minus strand). Cytogenetic location: 10p12.1.
Variant type: single nucleotide variant.
Coding change: c.724C>T on transcript NM_018076.5 (MANE Select); coding-DNA position 724, C replaced by T.
Protein change: p.Gln242Ter; replaces glutamine 242 with a stop codon.
Molecular consequence: nonsense.
Genome position (GRCh38, 1-based): chr10:27,983,938, G>A on the plus strand (C>T on the coding strand, the complement: ODAD2 is on the minus strand). VCF-style: chr10-27983938-G-A. GRCh37 (hg19) VCF-style: chr10-28272867-G-A.
Other names: c.724C>T (NM_018076.4); c.724C>T, p.Gln242Ter (NM_001290020.2); short protein forms Q242*.
Identifiers: ClinVar variation 659262 (VCV000659262.9), dbSNP rs369669370, ClinGen allele CA5453735.
Genomic context (GRCh38, chr10:27,983,938, plus strand): 5'-TGCACAGAGTCTCACCATCGTGAGGTTTCACCAGCACATAACAAATTTCCCCACGAATTT[G>A]TCTCCACGGTGGGGCTCGACATCCATTTGAAAATTCATAATCTGAAACCAATCATCAAGC-3'